The following is an entry in ClinVar:

ClinVar aggregate classification (germline): Uncertain significance (1 of 4 stars; one submission).

Conditions:
Episodic kinesigenic dyskinesia (EKD). Also called: Paroxysmal kinesigenic dyskinesia. Identifiers: Orphanet 98809, MedGen C1868682, MONDO:0044202.

Allele frequency attached by ClinVar (database versions not stated): gnomAD exomes below 0.00001; TOPMed below 0.00001.

Submission:

Labcorp Genetics (formerly Invitae), Labcorp
Classification: Uncertain significance for Episodic kinesigenic dyskinesia. Last evaluated: 2021-03-25. Review status: criteria provided, single submitter. Criteria: Invitae Variant Classification Sherloc (09022015). Collection method: clinical testing. Allele origin: germline.
Comment: In summary, the available evidence is currently insufficient to determine the role of this variant in disease. Therefore, it has been classified as a Variant of Uncertain Significance. Algorithms developed to predict the effect of missense changes on protein structure and function are either unavailable or do not agree on the potential impact of this missense change (SIFT: "Deleterious"; PolyPhen-2: "Benign"; Align-GVGD: "Class C0"). This variant has not been reported in the literature in individuals with PRRT2-related conditions. This variant is not present in population databases (ExAC no frequency). This sequence change replaces proline with serine at codon 200 of the PRRT2 protein (p.Pro200Ser). The proline residue is highly conserved and there is a moderate physicochemical difference between proline and serine.

NM_145239.3(PRRT2):c.598C>T (p.Pro200Ser)

Genes: MVP-DT (MVP divergent transcript; minus strand), PRRT2 (proline rich transmembrane protein 2; plus strand). Cytogenetic location: 16p11.2.
Variant type: single nucleotide variant.
Coding change: c.598C>T on transcript NM_145239.3 (MANE Select); coding-DNA position 598, C replaced by T.
Protein change: p.Pro200Ser; replaces proline 200 with serine.
Molecular consequence: missense variant.
Genome position (GRCh38, 1-based): chr16:29,813,652, C>T. VCF-style: chr16-29813652-C-T. GRCh37 (hg19) VCF-style: chr16-29824973-C-T.
Other names: c.598C>T, p.Pro200Ser (NM_001256442.2, NM_001256443.2); short protein forms P200S.
Identifiers: ClinVar variation 1380498 (VCV001380498.8), dbSNP rs1271275084, ClinGen allele CA395479037.